The following is an entry in ClinVar:

NM_130839.5(UBE3A):c.1934_1935del (p.Phe645fs)

Genes: SNHG14 (small nucleolar RNA host gene 14; plus strand), UBE3A (ubiquitin protein ligase E3A; minus strand). Cytogenetic location: 15q11.2.
Variant type: Deletion.
Coding change: c.1934_1935del on transcript NM_130839.5 (MANE Select); coding-DNA positions 1934 to 1935, 2 bases deleted (TT; older notation c.1934_1935delTT).
Protein change: p.Phe645fs; shifts the reading frame from phenylalanine 645.
Molecular consequence: frameshift variant. On other transcripts: non-coding transcript variant (1).
Genome position (GRCh38, 1-based): chr15:25,356,715-25,356,716, AA deleted on the plus strand (TT on the coding strand, the reverse complement: UBE3A is on the minus strand); deleting any 2 consecutive bases within chr15:25,356,715-25,356,718 gives the same sequence; the c. name uses the placement nearest the transcript's 3' end. VCF-style (leftmost placement, unchanged base first): chr15-25356714-GAA-G. GRCh37 (hg19) VCF-style: chr15-25601861-GAA-G.
Other names: c.1943_1944del, p.Phe648fs (NM_000462.5); c.1934_1935del, p.Phe645fs (NM_001354505.1, NM_001354538.2, NM_001354545.2); c.1874_1875del, p.Phe625fs (NM_001354506.2, NM_001354507.2, NM_001354508.2 and 17 more transcripts); c.1874_1875delTT (NM_130838.1); c.1757_1758del, p.Phe586fs (NM_001354546.2); c.683_684del, p.Phe228fs (NM_001354550.2); c.623_624del, p.Phe208fs (NM_001354551.2); short protein forms F208fs, F228fs, F586fs, F625fs, F645fs, F648fs.
Identifiers: ClinVar variation 4866298 (VCV004866298.1).

ClinVar aggregate classification (germline): Pathogenic (1 of 4 stars; one submission).

Conditions:
Inborn genetic diseases. Identifiers: MedGen C0950123, MeSH D030342.

Submission:

Ambry Genetics
Classification: Pathogenic for Inborn genetic diseases. Last evaluated: 2026-04-15. Review status: criteria provided, single submitter. Criteria: Ambry Variant Classification Scheme 2023. Collection method: clinical testing. Allele origin: germline.
Comment: The c.1874_1875delTT (p.F625Sfs*2) alteration, located in exon 5 (coding exon 5) of the UBE3A gene, consists of a deletion of 2 nucleotides from position 1874 to 1875, causing a translational frameshift with a predicted alternate stop codon after 2 amino acids. This variant is expected to result in loss of function by premature protein truncation or nonsense-mediated mRNA decay. This variant was not reported in population-based cohorts in the Genome Aggregation Database (gnomAD). Based on the available evidence, this alteration is classified as pathogenic.